The following is an entry in ClinVar:

ClinVar aggregate classification (germline): Benign/Likely benign. Review status: criteria provided, multiple submitters, no conflicts (2 of 4 stars). 9 submissions from 8 submitters: Benign (5); Likely benign (2). 2 of the submissions do not count toward it. Last evaluated 2026-01-19.

Conditions:
Inborn genetic diseases. Identifiers: MedGen C0950123, MeSH D030342.
ALG11-congenital disorder of glycosylation. Also called: CONGENITAL DISORDER OF GLYCOSYLATION, TYPE Ip; ALG11-CDG. Identifiers: Orphanet 280071, MedGen C3150913, MONDO:0013349, OMIM 613661.
Wilson disease (WND). Also called: Wilson's disease. Identifiers: Orphanet 905, MedGen C0019202, MONDO:0010200, OMIM 277900. Disease mechanism: loss of function.

Submissions (9):

Labcorp Genetics (formerly Invitae), Labcorp
Classification: Benign for Wilson disease. Last evaluated: 2026-01-19. Review status: criteria provided, single submitter. Criteria: Invitae Variant Classification Sherloc (09022015). Collection method: clinical testing. Allele origin: germline.

Blueprint Genetics
Classification: Likely benign. Last evaluated: 2024-11-27. Review status: criteria provided, single submitter. Criteria: ACMG Guidelines, 2015. Collection method: clinical testing. Allele origin: germline.

Women's Health and Genetics/Laboratory Corporation of America, LabCorp
Classification: Benign. Last evaluated: 2022-03-10. Review status: criteria provided, single submitter. Criteria: LabCorp Variant Classification Summary - May 2015. Collection method: clinical testing. Allele origin: germline.
Comment: Variant summary: ATP7B c.-123_-119dupCGCCG is located in the untranslated mRNA region upstream of the initiation codon. 4/4 computational tools predict no significant impact on normal splicing. The variant allele was found at a frequency of 0.42 in 31154 control chromosomes in the gnomAD database, including 3041 homozygotes. The observed variant frequency is approximately 77 fold of the estimated maximal expected allele frequency for a pathogenic variant in ATP7B causing Wilson Disease phenotype (0.0054), strongly suggesting that the variant is benign. Six clinical diagnostic laboratories have submitted clinical-significance assessments for this variant to ClinVar after 2014 and classified the variant benign (n=4), likely benign (n=1) and VUS (n=1). Based on the evidence outlined above, the variant was classified as benign.

ARUP Laboratories, Molecular Genetics and Genomics, ARUP Laboratories
Classification: Benign for Wilson disease. Last evaluated: 2022-03-08. Review status: criteria provided, single submitter. Criteria: ARUP Molecular Germline Variant Investigation Process 2021. Collection method: clinical testing. Allele origin: germline.

Labcorp Genetics (formerly Invitae), Labcorp
Classification: Benign for ALG11-congenital disorder of glycosylation. Last evaluated: 2020-11-30. Review status: criteria provided, single submitter. Criteria: Invitae Variant Classification Sherloc (09022015). Collection method: clinical testing. Allele origin: germline.

GeneDx
Classification: Benign. Last evaluated: 2018-06-11. Review status: criteria provided, single submitter. Criteria: GeneDx Variant Classification Process June 2021. Collection method: clinical testing. Allele origin: germline. Affected: yes.
Comment: This variant is associated with the following publications: (PMID: 24094725)

Ambry Genetics
Classification: Likely benign for Inborn genetic diseases. Last evaluated: 2016-09-20. Review status: criteria provided, single submitter. Criteria: Ambry Variant Classification Scheme 2023. Collection method: clinical testing. Allele origin: germline.

Natera, Inc.
Classification: Uncertain significance for Wilson disease. Last evaluated: 2020-09-16. Review status: no assertion criteria provided. Collection method: clinical testing. Allele origin: germline. Not counted in ClinVar's aggregate classification.

Department of Pathology and Laboratory Medicine, Sinai Health System
Classification: Uncertain significance. Review status: no assertion criteria provided. Collection method: clinical testing. Allele origin: unknown. Affected: yes. Study: The Canadian Open Genetics Repository (COGR). Not counted in ClinVar's aggregate classification.
Comment: multiple AR variants in same gene - keep for now1 reputable source/s reports the variant as benign, but the evidence is not available to the laboratory to perform an independent evaluation.Allele frequency is common in at least one population database (frequency: 41.769% in gnomAD_Genomes) based on the frequency threshold of 2.434% for this gene.Variant was observed in a homozygous state in population databases more than expected for disease.A synonymous variant not located in a splice region.

NM_000053.4(ATP7B):c.-123_-119dupCGCCG

Genes: ALG11 (ALG11 alpha-1,2-mannosyltransferase; plus strand), ATP7B (ATPase copper transporting beta; minus strand). Cytogenetic location: 13q14.3.
Variant type: Duplication.
Coding change: c.-123_-119dupCGCCG on transcript NM_000053.4 (MANE Select); 123 bases upstream of the start codon through 119 bases upstream of the start codon, 5 bases duplicated (CGCCG).
Genome position (GRCh38, 1-based): chr13:52,011,456-52,011,460, CGGCG duplicated on the plus strand (CGCCG on the coding strand, the reverse complement: ATP7B is on the minus strand); duplicating any 5 consecutive bases within chr13:52,011,456-52,011,464 gives the same sequence; the c. name uses the placement nearest the transcript's 3' end. VCF-style (leftmost placement, unchanged base first): chr13-52011455-T-TCGGCG. GRCh37 (hg19) VCF-style: chr13-52585591-T-TCGGCG.
Identifiers: ClinVar variation 35699 (VCV000035699.28), dbSNP rs148013251, ClinGen allele CA260127.